The following is an entry in ClinVar:

ClinVar aggregate classification (germline): Uncertain significance (1 of 4 stars; one submission).

Submission:

Labcorp Genetics (formerly Invitae), Labcorp
Classification: Uncertain significance. Last evaluated: 2022-02-24. Review status: criteria provided, single submitter. Criteria: Invitae Variant Classification Sherloc (09022015). Collection method: clinical testing. Allele origin: germline.
Comment: In summary, the available evidence is currently insufficient to determine the role of this variant in disease. Therefore, it has been classified as a Variant of Uncertain Significance. Algorithms developed to predict the effect of missense changes on protein structure and function are either unavailable or do not agree on the potential impact of this missense change (SIFT: "Deleterious"; PolyPhen-2: "Benign"; Align-GVGD: "Class C0"). This variant has not been reported in the literature in individuals affected with GHSR-related conditions. This variant is not present in population databases (gnomAD no frequency). This sequence change replaces serine, which is neutral and polar, with glycine, which is neutral and non-polar, at codon 7 of the GHSR protein (p.Ser7Gly).

NM_198407.2(GHSR):c.19A>G (p.Ser7Gly)

Gene: GHSR (growth hormone secretagogue receptor; minus strand). Cytogenetic location: 3q26.31.
Variant type: single nucleotide variant.
Coding change: c.19A>G on transcript NM_198407.2 (MANE Select); coding-DNA position 19, A replaced by G.
Protein change: p.Ser7Gly; replaces serine 7 with glycine.
Molecular consequence: missense variant.
Genome position (GRCh38, 1-based): chr3:172,448,395, T>C on the plus strand (A>G on the coding strand, the complement: GHSR is on the minus strand). VCF-style: chr3-172448395-T-C. GRCh37 (hg19) VCF-style: chr3-172166185-T-C.
Other names: c.19A>G, p.Ser7Gly (NM_004122.2); short protein forms S7G.
Identifiers: ClinVar variation 1508584 (VCV001508584.6), dbSNP rs2108426725, ClinGen allele CA355516955.